The following is an entry in ClinVar:

NM_004006.3(DMD):c.4572del (p.Thr1525fs)

Gene: DMD (dystrophin; minus strand). Cytogenetic location: Xp21.1.
Variant type: Deletion.
Coding change: c.4572del on transcript NM_004006.3 (MANE Select); coding-DNA position 4572, one base deleted (G; older notation c.4572delG).
Protein change: p.Thr1525fs; shifts the reading frame from threonine 1525.
Molecular consequence: frameshift variant.
Genome position (GRCh38, 1-based): chrX:32,386,412, C deleted on the plus strand (G on the coding strand, the reverse complement: DMD is on the minus strand). VCF-style (leftmost placement, unchanged base first): chrX-32386411-TC-T. GRCh37 (hg19) VCF-style: chrX-32404528-TC-T.
Other names: c.4548del, p.Thr1517fs (NM_000109.4); c.4560del, p.Thr1521fs (NM_004009.3); c.4203del, p.Thr1402fs (NM_004010.3); c.549del, p.Thr184fs (NM_004011.4); c.540del, p.Thr181fs (NM_004012.4); short protein forms T1402fs, T1521fs, T1525fs, T181fs, T184fs, T1517fs.
Identifiers: ClinVar variation 4710682 (VCV004710682.1).

ClinVar aggregate classification (germline): Pathogenic (1 of 4 stars; one submission).

Conditions:
Duchenne muscular dystrophy (DMD). Also called: MUSCULAR DYSTROPHY, PSEUDOHYPERTROPHIC PROGRESSIVE, DUCHENNE TYPE; Duchenne Muscular Dystrophy (DMD). Identifiers: Orphanet 98896, MedGen C0013264, MONDO:0010679, OMIM 310200.

Submission:

Labcorp Genetics (formerly Invitae), Labcorp
Classification: Pathogenic for Duchenne muscular dystrophy. Last evaluated: 2025-12-09. Review status: criteria provided, single submitter. Criteria: Invitae Variant Classification Sherloc (09022015). Collection method: clinical testing. Allele origin: germline.
Comment: This sequence change creates a premature translational stop signal (p.Thr1525Leufs*21) in the DMD gene. It is expected to result in an absent or disrupted protein product. Loss-of-function variants in DMD are known to be pathogenic (PMID: 16770791, 25007885). This variant is not present in population databases (gnomAD no frequency). This premature translational stop signal has been observed in individual(s) with muscular dystrophy (PMID: 19074751). For these reasons, this variant has been classified as Pathogenic.

Literature cited by the submitters: PubMed 16770791; PubMed 25007885; PubMed 19074751.